The following is an entry in ClinVar:

NM_001144757.3(SCG5):c.20C>G (p.Ser7Cys)

Genes: ARHGAP11A-SCG5 (ARHGAP11A-SCG5 readthrough; plus strand), SCG5 (secretogranin V; plus strand). Cytogenetic location: 15q13.3.
Variant type: single nucleotide variant.
Coding change: c.20C>G on transcript NM_001144757.3 (MANE Select); coding-DNA position 20, C replaced by G.
Protein change: p.Ser7Cys; replaces serine 7 with cysteine.
Molecular consequence: missense variant.
Genome position (GRCh38, 1-based): chr15:32,643,612, C>G. VCF-style: chr15-32643612-C-G. GRCh37 (hg19) VCF-style: chr15-32935813-C-G.
Other names: c.1262C>G, p.Ser421Cys (NM_001368319.1); c.20C>G, p.Ser7Cys (NM_001394278.1, NM_001394279.1, NM_003020.5); short protein forms S7C, S421C.
Identifiers: ClinVar variation 5029058 (VCV005029058.1).

ClinVar aggregate classification (germline): Uncertain significance (1 of 4 stars; one submission).

gnomAD v4.1: 44 of 1,613,974 alleles (0.0027%); highest among the groups gnomAD compares: African/African-American, 0.043%; 1 homozygote.

Submission:

Ambry Genetics
Classification: Uncertain significance. Last evaluated: 2026-07-02. Review status: criteria provided, single submitter. Criteria: Ambry Variant Classification Scheme 2023. Collection method: clinical testing. Allele origin: germline.
Comment: The p.S7C variant (also known as c.20C>G), located in coding exon 1 of the SCG5 gene, results from a C to G substitution at nucleotide position 20. The serine at codon 7 is replaced by cysteine, an amino acid with dissimilar properties. This amino acid position is conserved. In addition, this alteration is predicted to be tolerated by in silico analysis. Based on the available evidence, the clinical significance of this variant remains unclear.